The following is an entry in ClinVar:

NM_001374828.1(ARID1B):c.1196G>A (p.Gly399Glu)

Gene: ARID1B (AT-rich interaction domain 1B; plus strand). Cytogenetic location: 6q25.3.
Variant type: single nucleotide variant.
Coding change: c.1196G>A on transcript NM_001374828.1 (MANE Select); coding-DNA position 1196, G replaced by A.
Protein change: p.Gly399Glu; replaces glycine 399 with glutamic acid.
Molecular consequence: missense variant.
Genome position (GRCh38, 1-based): chr6:156,778,876, G>A. VCF-style: chr6-156778876-G-A. GRCh37 (hg19) VCF-style: chr6-157100010-G-A.
Other names: c.1196G>A, p.Gly399Glu (NM_001371656.1, NM_001374820.1, NM_001438482.1 and 9 more transcripts); short protein forms G399E.
Identifiers: ClinVar variation 4769645 (VCV004769645.1).

ClinVar aggregate classification (germline): Uncertain significance (1 of 4 stars; one submission).

gnomAD v4.1: 7 of 1,402,314 alleles (0.0005%); highest among the groups gnomAD compares: African/African-American, 0.0015%; no homozygotes.

Submission:

Labcorp Genetics (formerly Invitae), Labcorp
Classification: Uncertain significance. Last evaluated: 2026-01-28. Review status: criteria provided, single submitter. Criteria: Invitae Variant Classification Sherloc (09022015). Collection method: clinical testing. Allele origin: germline.
Comment: This sequence change replaces glycine, which is neutral and non-polar, with glutamic acid, which is acidic and polar, at codon 316 of the ARID1B protein (p.Gly316Glu). This variant is not present in population databases (gnomAD no frequency). This variant has not been reported in the literature in individuals affected with ARID1B-related conditions. Invitae Evidence Modeling of protein sequence and biophysical properties (such as structural, functional, and spatial information, amino acid conservation, physicochemical variation, residue mobility, and thermodynamic stability) indicates that this missense variant is not expected to disrupt ARID1B protein function with a negative predictive value of 95%. In summary, the available evidence is currently insufficient to determine the role of this variant in disease. Therefore, it has been classified as a Variant of Uncertain Significance.